The following is an entry in ClinVar:

ClinVar aggregate classification (germline): Conflicting classifications of pathogenicity. Review status: criteria provided, conflicting classifications (1 of 4 stars). 2 submissions from 2 submitters: Uncertain significance (1); Likely benign (1). Last evaluated 2025-02-18.

Conditions:
Hereditary cancer-predisposing syndrome. Also called: Neoplastic Syndromes, Hereditary; Hereditary Cancer Syndrome; Hereditary neoplastic syndrome; Tumor predisposition. Identifiers: Orphanet 140162, MedGen C0027672, MeSH D009386, MONDO:0015356.
Mitochondrial complex II deficiency, nuclear type 1. Also called: SUCCINATE CoQ REDUCTASE DEFICIENCY. Identifiers: Orphanet 3208, MedGen C5700310, MONDO:0100294, OMIM 252011.
Pheochromocytoma/paraganglioma syndrome 5. Also called: Paragangliomas 5; SDHA-Related Hereditary Paraganglioma-Pheochromocytoma Syndrome. Identifiers: Orphanet 29072, MedGen C3279992, MONDO:0013602, OMIM 614165.

Submissions (2):

Labcorp Genetics (formerly Invitae), Labcorp
Classification: Uncertain significance for Pheochromocytoma/paraganglioma syndrome 5; Mitochondrial complex II deficiency, nuclear type 1. Last evaluated: 2025-02-18. Review status: criteria provided, single submitter. Criteria: Invitae Variant Classification Sherloc (09022015). Collection method: clinical testing. Allele origin: germline.
Comment: This sequence change replaces threonine, which is neutral and polar, with alanine, which is neutral and non-polar, at codon 30 of the SDHA protein (p.Thr30Ala). This variant is not present in population databases (gnomAD no frequency). This variant has not been reported in the literature in individuals affected with SDHA-related conditions. ClinVar contains an entry for this variant (Variation ID: 1508735). Invitae Evidence Modeling of protein sequence and biophysical properties (such as structural, functional, and spatial information, amino acid conservation, physicochemical variation, residue mobility, and thermodynamic stability) indicates that this missense variant is not expected to disrupt SDHA protein function with a negative predictive value of 95%. In summary, the available evidence is currently insufficient to determine the role of this variant in disease. Therefore, it has been classified as a Variant of Uncertain Significance.

Ambry Genetics
Classification: Likely benign for Hereditary cancer-predisposing syndrome. Last evaluated: 2024-05-12. Review status: criteria provided, single submitter. Criteria: Ambry Variant Classification Scheme 2023. Collection method: clinical testing. Allele origin: germline.

NM_004168.4(SDHA):c.88A>G (p.Thr30Ala)

Gene: SDHA (succinate dehydrogenase complex flavoprotein subunit A; plus strand). Cytogenetic location: 5p15.33.
Variant type: single nucleotide variant.
Coding change: c.88A>G on transcript NM_004168.4 (MANE Select); coding-DNA position 88, A replaced by G.
Protein change: p.Thr30Ala; replaces threonine 30 with alanine.
Molecular consequence: missense variant.
Genome position (GRCh38, 1-based): chr5:223,506, A>G. VCF-style: chr5-223506-A-G. GRCh37 (hg19) VCF-style: chr5-223621-A-G.
Other names: c.88A>G (NM_004168.2); c.88A>G, p.Thr30Ala (NM_001294332.2, NM_001330758.2); short protein forms T30A.
Identifiers: ClinVar variation 1508735 (VCV001508735.9), dbSNP rs2126539529, ClinGen allele CA359008110.